The following is an entry in ClinVar:

NM_007294.4(BRCA1):c.3404A>T (p.Gln1135Leu)

Genes: BRCA1 (BRCA1 DNA repair associated; minus strand), LOC126862571 (BRD4-independent group 4 enhancer GRCh37_chr17:41243136-41244335; plus strand). Cytogenetic location: 17q21.31.
Variant type: single nucleotide variant.
Coding change: c.3404A>T on transcript NM_007294.4 (MANE Select); coding-DNA position 3404, A replaced by T.
Protein change: p.Gln1135Leu; replaces glutamine 1135 with leucine.
Molecular consequence: missense variant. On other transcripts: intron variant (135).
Genome position (GRCh38, 1-based): chr17:43,092,127, T>A on the plus strand (A>T on the coding strand, the complement: BRCA1 is on the minus strand). VCF-style: chr17-43092127-T-A. GRCh37 (hg19) VCF-style: chr17-41244144-T-A.
Other names: c.3263A>T, p.Gln1088Leu (NM_001407729.1, NM_001407730.1, NM_001407731.1 and 29 more transcripts); c.524-1095A>T (NM_001408496.1, NM_001408498.1, NM_001408501.1 and 3 more transcripts); c.647-1095A>T (NM_001408460.1, NM_001408454.1, NM_001408458.1 and 11 more transcripts); c.707-1095A>T (NM_001408413.1, NM_001408416.1); c.587-1095A>T (NM_001408476.1, NM_001408474.1); c.710-1095A>T (NM_001408409.1, NM_001408412.1, NM_001408414.1 and 2 more transcripts); c.575-1095A>T (NM_001408493.1, NM_001408490.1, NM_001408491.1); c.455-1095A>T (NM_001408502.1); and 41 more; short protein forms Q1007L, Q1008L, Q1023L, Q1024L, Q1046L, Q1047L, Q1064L, Q1065L.
Identifiers: ClinVar variation 4800837 (VCV004800837.1).

ClinVar aggregate classification (germline): Uncertain significance (1 of 4 stars; one submission).

Conditions:
Hereditary breast ovarian cancer syndrome. Also called: Hereditary breast and ovarian cancer syndrome (HBOC); Hereditary breast and ovarian cancer; Breast and ovarian cancer; Hereditary breast and/or ovarian cancer syndrome; BRCA1- and BRCA2-Associated Hereditary Breast and Ovarian Cancer; Hereditary breast and ovarian cancer syndrome. Identifiers: Orphanet 145, MedGen C0677776, MeSH D061325, MONDO:0003582. Disease mechanism: loss of function.

Submission:

Labcorp Genetics (formerly Invitae), Labcorp
Classification: Uncertain significance for Hereditary breast ovarian cancer syndrome. Last evaluated: 2025-11-24. Review status: criteria provided, single submitter. Criteria: Invitae Variant Classification Sherloc (09022015). Collection method: clinical testing. Allele origin: germline.
Comment: This sequence change replaces glutamine, which is neutral and polar, with leucine, which is neutral and non-polar, at codon 1135 of the BRCA1 protein (p.Gln1135Leu). This variant is not present in population databases (gnomAD no frequency). This variant has not been reported in the literature in individuals affected with BRCA1-related conditions. Invitae Evidence Modeling of protein sequence and biophysical properties (such as structural, functional, and spatial information, amino acid conservation, physicochemical variation, residue mobility, and thermodynamic stability) indicates that this missense variant is not expected to disrupt BRCA1 protein function with a negative predictive value of 80%. In summary, the available evidence is currently insufficient to determine the role of this variant in disease. Therefore, it has been classified as a Variant of Uncertain Significance.